The following is an entry in ClinVar:

ClinVar aggregate classification (germline): Uncertain significance (1 of 4 stars; one submission).

Submission:

Labcorp Genetics (formerly Invitae), Labcorp
Classification: Uncertain significance. Last evaluated: 2022-03-29. Review status: criteria provided, single submitter. Criteria: Invitae Variant Classification Sherloc (09022015). Collection method: clinical testing. Allele origin: germline.
Comment: In summary, the available evidence is currently insufficient to determine the role of this variant in disease. Therefore, it has been classified as a Variant of Uncertain Significance. Algorithms developed to predict the effect of missense changes on protein structure and function (SIFT, PolyPhen-2, Align-GVGD) all suggest that this variant is likely to be disruptive. This variant has not been reported in the literature in individuals affected with USH2A-related conditions. This variant is not present in population databases (gnomAD no frequency). This sequence change replaces asparagine, which is neutral and polar, with histidine, which is basic and polar, at codon 3780 of the USH2A protein (p.Asn3780His).

NM_206933.4(USH2A):c.11338A>C (p.Asn3780His)

Gene: USH2A (usherin; minus strand). Cytogenetic location: 1q41.
Variant type: single nucleotide variant.
Coding change: c.11338A>C on transcript NM_206933.4 (MANE Select); coding-DNA position 11338, A replaced by C.
Protein change: p.Asn3780His; replaces asparagine 3780 with histidine.
Molecular consequence: missense variant.
Genome position (GRCh38, 1-based): chr1:215,758,646, T>G on the plus strand (A>C on the coding strand, the complement: USH2A is on the minus strand). VCF-style: chr1-215758646-T-G. GRCh37 (hg19) VCF-style: chr1-215931988-T-G.
Other names: short protein forms N3780H.
Identifiers: ClinVar variation 1955763 (VCV001955763.5), dbSNP rs979092143, ClinGen allele CA344820586.